The following is an entry in ClinVar:

NM_007194.4(CHEK2):c.592+3_592+4del

Gene: CHEK2 (checkpoint kinase 2; minus strand). Cytogenetic location: 22q12.1.
Variant type: Deletion.
Coding change: c.592+3_592+4del on transcript NM_007194.4 (MANE Select); bases 3 to 4 of the intron after coding-DNA position 592, 2 bases deleted (AA; older notation c.592+3_592+4delAA).
Molecular consequence: intron variant.
Genome position (GRCh38, 1-based): chr22:28,724,973-28,724,974, TT deleted on the plus strand (AA on the coding strand, the reverse complement: CHEK2 is on the minus strand). VCF-style (leftmost placement, unchanged base first): chr22-28724972-ATT-A. GRCh37 (hg19) VCF-style: chr22-29120960-ATT-A.
Other names: c.-72+3_-72+4del (NM_001437942.1); c.445-51_445-50del (NM_001349956.3); c.592+3_592+4del (NM_145862.3); c.-186+3_-186+4del (NM_001257387.3); c.685+3_685+4del (NM_001438295.1, NM_001438293.1); c.721+3_721+4del (NM_001438294.1, NM_001005735.3).
Identifiers: ClinVar variation 419809 (VCV000419809.2), dbSNP rs1064794120, ClinGen allele CA16621074.

ClinVar aggregate classification (germline): Uncertain significance (1 of 4 stars; one submission).

Submission:

GeneDx
Classification: Uncertain significance. Last evaluated: 2015-09-12. Review status: criteria provided, single submitter. Criteria: GeneDx Variant Classification (06012015). Collection method: clinical testing. Allele origin: germline. Affected: yes.
Comment: This variant is denoted CHEK2 c.592+3_592+4delAA or IVS4+3_IVS4+4delAA and consists of a deletion of two nucleotides at the +3 to +4 position in intron 4 of the CHEK2 gene. The normal sequence with the bases that are deleted in braces is AGgt[aa]tatt, where the capital letters are exonic and lowercase are intronic. Multiple in silico models predict this variant to destroy the nearby natural donor site, and to possibly cause abnormal gene splicing. However, in the absence of RNA or functional studies, the actual effect of this variant is unknown. CHEK2 c.592+3_592+4delAA was not observed in approximately 6,500 individuals of European and African American ancestry in the NHLBI Exome Sequencing Project, indicating it is not a common benign variant in these populations. This variant has not, to our knowledge, been published in the literature as pathogenic or benign. Based on the currently available information, we consider CHEK2 c.592+3_592+4delAA to be a variant of uncertain significance.